The following is an entry in ClinVar:

NM_007129.5(ZIC2):c.1487G>T (p.Gly496Val)

Gene: ZIC2 (Zic family zinc finger 2; plus strand). Cytogenetic location: 13q32.3.
Variant type: single nucleotide variant.
Coding change: c.1487G>T on transcript NM_007129.5 (MANE Select); coding-DNA position 1487, G replaced by T.
Protein change: p.Gly496Val; replaces glycine 496 with valine.
Molecular consequence: missense variant.
Genome position (GRCh38, 1-based): chr13:99,985,570, G>T. VCF-style: chr13-99985570-G-T. GRCh37 (hg19) VCF-style: chr13-100637824-G-T.
Other names: short protein forms G496V.
Identifiers: ClinVar variation 4686284 (VCV004686284.1).

ClinVar aggregate classification (germline): Uncertain significance (1 of 4 stars; one submission).

Submission:

GeneDx
Classification: Uncertain significance. Last evaluated: 2025-07-11. Review status: criteria provided, single submitter. Criteria: GeneDx Variant Classification Process June 2021. Collection method: clinical testing. Allele origin: germline. Affected: yes.
Comment: Not observed at significant frequency in large population cohorts (gnomAD); In silico analysis suggests that this missense variant does not alter protein structure/function; Has not been previously published as pathogenic or benign to our knowledge